The following is an entry in ClinVar:

ClinVar aggregate classification (germline): Uncertain significance. Review status: criteria provided, multiple submitters, no conflicts (2 of 4 stars). 2 submissions from 2 submitters: Uncertain significance (2). Last evaluated 2025-12-30.

Conditions:
Familial acute necrotizing encephalopathy (IIAE3). Also called: ENCEPHALOPATHY, ACUTE, INFECTION-INDUCED, SUSCEPTIBILITY TO, 3; Susceptibility to Acute Necrotizing Encephalopathy 1. Identifiers: Orphanet 88619, MedGen C2675556, MONDO:0011953, OMIM 608033.

Allele frequency attached by ClinVar (database versions not stated): gnomAD exomes 0.00003 and 0.00005; ExAC 0.00005; gnomAD 0.00005 and 0.00006; TOPMed 0.00005.
gnomAD v4.1: 57 of 1,611,878 alleles (0.0035%); highest among the groups gnomAD compares: Middle Eastern, 0.045%; no homozygotes.

Submissions (2):

Labcorp Genetics (formerly Invitae), Labcorp
Classification: Uncertain significance for Familial acute necrotizing encephalopathy. Last evaluated: 2025-12-30. Review status: criteria provided, single submitter. Criteria: Invitae Variant Classification Sherloc (09022015). Collection method: clinical testing. Allele origin: germline.
Comment: This sequence change replaces asparagine, which is neutral and polar, with serine, which is neutral and polar, at codon 560 of the RANBP2 protein (p.Asn560Ser). This variant is present in population databases (rs780734900, gnomAD 0.01%). This variant has not been reported in the literature in individuals affected with RANBP2-related conditions. ClinVar contains an entry for this variant (Variation ID: 1363956). An algorithm developed to predict the effect of missense changes on protein structure and function (PolyPhen-2) suggests that this variant is likely to be tolerated. In summary, the available evidence is currently insufficient to determine the role of this variant in disease. Therefore, it has been classified as a Variant of Uncertain Significance.

Ambry Genetics
Classification: Uncertain significance. Last evaluated: 2024-05-20. Review status: criteria provided, single submitter. Criteria: Ambry Variant Classification Scheme 2023. Collection method: clinical testing. Allele origin: germline.

NM_006267.5(RANBP2):c.1679A>G (p.Asn560Ser)

Gene: RANBP2 (RAN binding protein 2; plus strand). Cytogenetic location: 2q13.
Variant type: single nucleotide variant.
Coding change: c.1679A>G on transcript NM_006267.5 (MANE Select); coding-DNA position 1679, A replaced by G.
Protein change: p.Asn560Ser; replaces asparagine 560 with serine.
Molecular consequence: missense variant.
Genome position (GRCh38, 1-based): chr2:108,751,918, A>G. VCF-style: chr2-108751918-A-G. GRCh37 (hg19) VCF-style: chr2-109368374-A-G.
Other names: c.1679A>G (NM_006267.4); short protein forms N560S.
Identifiers: ClinVar variation 1363956 (VCV001363956.8), dbSNP rs780734900, ClinGen allele CA1822406.